The following is an entry in ClinVar:

ClinVar aggregate classification (germline): Pathogenic (1 of 4 stars; one submission).

Submission:

Labcorp Genetics (formerly Invitae), Labcorp
Classification: Pathogenic. Last evaluated: 2022-06-03. Review status: criteria provided, single submitter. Criteria: Invitae Variant Classification Sherloc (09022015). Collection method: clinical testing. Allele origin: germline.
Comment: This sequence change creates a premature translational stop signal (p.Tyr43*) in the RBP4 gene. It is expected to result in an absent or disrupted protein product. Loss-of-function variants in RBP4 are known to be pathogenic (PMID: 23189188, 26974396, 28041643). This variant is not present in population databases (gnomAD no frequency). This variant has not been reported in the literature in individuals affected with RBP4-related conditions. ClinVar contains an entry for this variant (Variation ID: 961911). Algorithms developed to predict the effect of sequence changes on RNA splicing suggest that this variant may create or strengthen a splice site. For these reasons, this variant has been classified as Pathogenic.

Literature cited by the submitters: PubMed 23189188; PubMed 26974396; PubMed 28041643.

NM_006744.4(RBP4):c.129C>G (p.Tyr43Ter)

Gene: RBP4 (retinol binding protein 4; minus strand). Cytogenetic location: 10q23.33.
Variant type: single nucleotide variant.
Coding change: c.129C>G on transcript NM_006744.4 (MANE Select); coding-DNA position 129, C replaced by G.
Protein change: p.Tyr43Ter; replaces tyrosine 43 with a stop codon.
Molecular consequence: nonsense.
Genome position (GRCh38, 1-based): chr10:93,600,786, G>C on the plus strand (C>G on the coding strand, the complement: RBP4 is on the minus strand). VCF-style: chr10-93600786-G-C. GRCh37 (hg19) VCF-style: chr10-95360543-G-C.
Other names: c.129C>G, p.Tyr43Ter (NM_001323517.1); c.123C>G, p.Tyr41Ter (NM_001323518.2); short protein forms Y41*, Y43*.
Identifiers: ClinVar variation 961911 (VCV000961911.7), dbSNP rs1589687052, ClinGen allele CA377618511.